The following is an entry in ClinVar:

NC_000009.12:g.(?_35683149)_(35689827_?)dup

Gene: TPM2 (tropomyosin 2; minus strand). Cytogenetic location: 9p13.3.
Variant type: Duplication.
Identifiers: ClinVar variation 833210 (VCV000833210.1).

ClinVar aggregate classification (germline): Uncertain significance (1 of 4 stars; one submission).

Conditions:
Arthrogryposis, distal, type 1A. Also called: ARTHROGRYPOSIS MULTIPLEX CONGENITA, DISTAL, TYPE I. Identifiers: Orphanet 1146, MedGen C6022280, MONDO:0007157, OMIM 108120.

Submission:

Labcorp Genetics (formerly Invitae), Labcorp
Classification: Uncertain significance for Distal arthrogryposis type 1A. Last evaluated: 2019-11-11. Review status: criteria provided, single submitter. Criteria: Invitae Variant Classification Sherloc (09022015). Collection method: clinical testing. Allele origin: germline.
Comment: This variant results in a copy number gain of the genomic region encompassing the full coding sequence of the TPM2 gene. The boundaries of this event are unknown as they extend beyond the assayed region for this gene and therefore may encompass additional genes. As the precise location of this event is unknown, it may be in tandem or it may be located elsewhere in the genome. This variant has not been reported in the literature in individuals with TPM2-related conditions. In summary, the available evidence is currently insufficient to determine the role of this variant in disease. Therefore, it has been classified as a Variant of Uncertain Significance.